The following is an entry in ClinVar:

NM_005419.4(STAT2):c.2267A>C (p.Glu756Ala)

Gene: STAT2 (signal transducer and activator of transcription 2; minus strand). Cytogenetic location: 12q13.3.
Variant type: single nucleotide variant.
Coding change: c.2267A>C on transcript NM_005419.4 (MANE Select); coding-DNA position 2267, A replaced by C.
Protein change: p.Glu756Ala; replaces glutamic acid 756 with alanine.
Molecular consequence: missense variant.
Genome position (GRCh38, 1-based): chr12:56,343,971, T>G on the plus strand (A>C on the coding strand, the complement: STAT2 is on the minus strand). VCF-style: chr12-56343971-T-G. GRCh37 (hg19) VCF-style: chr12-56737755-T-G.
Other names: c.2234A>C, p.Glu745Ala (NM_001385110.1); c.2168A>C, p.Glu723Ala (NM_001385111.1); c.2267A>C, p.Glu756Ala (NM_001385113.1); c.2246A>C, p.Glu749Ala (NM_001385114.1); c.2225A>C, p.Glu742Ala (NM_001385115.1); c.2255A>C, p.Glu752Ala (NM_198332.2); short protein forms E723A, E742A, E745A, E749A, E752A, E756A.
Identifiers: ClinVar variation 4882777 (VCV004882777.2).

ClinVar aggregate classification (germline): Uncertain significance (1 of 4 stars; one submission).

gnomAD v4.1: 13 of 1,614,078 alleles (0.00081%); highest among the groups gnomAD compares: African/African-American, 0.017%; no homozygotes.

Submission:

Dasa
Classification: Uncertain significance. Last evaluated: 2026-02-23. Review status: criteria provided, single submitter. Criteria: DASA Assertion Criteria. Collection method: clinical testing. Allele origin: germline.
Comment: NM_005419.4(STAT2):c.2267A>C (p.Glu756Ala) is a missense variant that results in the substitution of glutamic acid with alanine. This variant is rare in population databases. The currently available literature and clinical evidence are not sufficient to establish a definitive association between this variant and the reported condition. Therefore, this variant is classified as a variant of uncertain significance.